The following is an entry in ClinVar:

NM_001122769.3(LCA5):c.302del (p.Thr101fs)

Gene: LCA5 (lebercilin LCA5; minus strand). Cytogenetic location: 6q14.1.
Variant type: Deletion.
Coding change: c.302del on transcript NM_001122769.3 (MANE Select); coding-DNA position 302, one base deleted (C; older notation c.302delC).
Protein change: p.Thr101fs; shifts the reading frame from threonine 101.
Molecular consequence: frameshift variant.
Genome position (GRCh38, 1-based): chr6:79,513,630, G deleted on the plus strand (C on the coding strand, the reverse complement: LCA5 is on the minus strand). VCF-style (leftmost placement, unchanged base first): chr6-79513629-TG-T. GRCh37 (hg19) VCF-style: chr6-80223346-TG-T.
Other names: c.302del, p.Thr101fs (NM_181714.4); short protein forms T101fs.
Identifiers: ClinVar variation 2698775 (VCV002698775.3), dbSNP rs2533440056, ClinGen allele CA2697553584.
Genomic context (GRCh38, chr6:79,513,629, plus strand): 5'-TTCAGATACTTCATTCTGCAACTCATTGATTTTTAGCAGTCTTGCAGACAGAATCCGTTT[TG>T]TAACAAGATCAGTATCTTTCCGAAGTGGCTCTCTATTGAGGCTCTGGGAGCGAAATCCCA-3'

ClinVar aggregate classification (germline): Pathogenic (1 of 4 stars; one submission).

Submission:

Labcorp Genetics (formerly Invitae), Labcorp
Classification: Pathogenic. Last evaluated: 2023-11-24. Review status: criteria provided, single submitter. Criteria: Invitae Variant Classification Sherloc (09022015). Collection method: clinical testing. Allele origin: germline.
Comment: This sequence change creates a premature translational stop signal (p.Thr101Lysfs*10) in the LCA5 gene. It is expected to result in an absent or disrupted protein product. Loss-of-function variants in LCA5 are known to be pathogenic (PMID: 17546029, 23946133). This variant is not present in population databases (gnomAD no frequency). This variant has not been reported in the literature in individuals affected with LCA5-related conditions. For these reasons, this variant has been classified as Pathogenic.

Literature cited by the submitters: PubMed 17546029; PubMed 23946133.